The following is an entry in ClinVar:

NM_004006.3(DMD):c.10822G>A (p.Gly3608Ser)

Gene: DMD (dystrophin; minus strand). Cytogenetic location: Xp21.2.
Variant type: single nucleotide variant.
Coding change: c.10822G>A on transcript NM_004006.3 (MANE Select); coding-DNA position 10822, G replaced by A.
Protein change: p.Gly3608Ser; replaces glycine 3608 with serine.
Molecular consequence: missense variant.
Genome position (GRCh38, 1-based): chrX:31,146,390, C>T on the plus strand (G>A on the coding strand, the complement: DMD is on the minus strand). VCF-style: chrX-31146390-C-T. GRCh37 (hg19) VCF-style: chrX-31164507-C-T.
Other names: c.10798G>A, p.Gly3600Ser (NM_000109.4); c.10810G>A, p.Gly3604Ser (NM_004009.3); c.10453G>A, p.Gly3485Ser (NM_004010.3); c.6799G>A, p.Gly2267Ser (NM_004011.4); c.6790G>A, p.Gly2264Ser (NM_004012.4); c.3442G>A, p.Gly1148Ser (NM_004013.3, NM_004021.3); c.2635G>A, p.Gly879Ser (NM_004014.3); c.1618G>A, p.Gly540Ser (NM_004015.3, NM_004016.3); and 3 more; short protein forms G1038S, G1135S, G1148S, G2264S, G2267S, G3485S, G3600S, G3604S.
Identifiers: ClinVar variation 3223638 (VCV003223638.1), dbSNP rs2519419216, ClinGen allele CA412648912.

ClinVar aggregate classification (germline): Uncertain significance (1 of 4 stars; one submission).

Conditions:
Cardiovascular phenotype. Identifiers: MedGen CN230736.

Allele frequency attached by ClinVar (database versions not stated): gnomAD exomes below 0.00001.
gnomAD v4.1: 4 of 1,210,636 alleles (0.00033%); highest among the groups gnomAD compares: Non-Finnish European, 0.00045%; no homozygotes.

Submission:

Ambry Genetics
Classification: Uncertain significance for Cardiovascular phenotype. Last evaluated: 2023-11-21. Review status: criteria provided, single submitter. Criteria: Ambry Variant Classification Scheme 2023. Collection method: clinical testing. Allele origin: germline.
Comment: The p.G3608S variant (also known as c.10822G>A), located in coding exon 76 of the DMD gene, results from a G to A substitution at nucleotide position 10822. The glycine at codon 3608 is replaced by serine, an amino acid with similar properties. This amino acid position is highly conserved in available vertebrate species. In addition, this alteration is predicted to be deleterious by in silico analysis. Since supporting evidence is limited at this time, the clinical significance of this alteration remains unclear.